The following is an entry in ClinVar:

NM_001999.4(FBN2):c.4615C>G (p.Pro1539Ala)

Gene: FBN2 (fibrillin 2; minus strand). Cytogenetic location: 5q23.3.
Variant type: single nucleotide variant.
Coding change: c.4615C>G on transcript NM_001999.4 (MANE Select); coding-DNA position 4615, C replaced by G.
Protein change: p.Pro1539Ala; replaces proline 1539 with alanine.
Molecular consequence: missense variant.
Genome position (GRCh38, 1-based): chr5:128,318,251, G>C on the plus strand (C>G on the coding strand, the complement: FBN2 is on the minus strand). VCF-style: chr5-128318251-G-C. GRCh37 (hg19) VCF-style: chr5-127653943-G-C.
Other names: short protein forms P1539A.
Identifiers: ClinVar variation 1302114 (VCV001302114.2), dbSNP rs761783629, ClinGen allele CA126995988.
Genomic context (GRCh38, chr5:128,318,251, plus strand): 5'-GGCAGTTACACTCATAGCGACCAGGCGTGTTGACACATAGGCCATTGACACAGTTTATAG[G>C]ATCTGCACACTCATCAATATCTAGGAGAAGCATTTAAAATGCCCAGGTTACCATTTTTAC-3'
Protein context (NP_001990.2, residues 1529-1549): NCTDIDECAD[Pro1539Ala]INCVNGLCVN

ClinVar aggregate classification (germline): Uncertain significance (1 of 4 stars; one submission).

Allele frequency attached by ClinVar (database versions not stated): gnomAD exomes 0.00002.
gnomAD v4.1: 29 of 1,614,008 alleles (0.0018%); highest among the groups gnomAD compares: Non-Finnish European, 0.0025%; no homozygotes.

Submission:

GeneDx
Classification: Uncertain significance. Last evaluated: 2019-06-07. Review status: criteria provided, single submitter. Criteria: GeneDx Variant Classification Process June 2021. Collection method: clinical testing. Allele origin: germline. Affected: yes.
Comment: Has not been previously published as pathogenic or benign to our knowledge; Not observed in large population cohorts (Lek et al., 2016); In silico analysis, which includes protein predictors and evolutionary conservation, supports a deleterious effect; Although located in a calcium-binding EGF-like domain of the FBN2 gene, it does not affect a cysteine residue within this domain; cysteine substitutions in the calcium-binding EGF-like domains represent the majority of pathogenic missense changes associated with FBN2 related disorders (Collod-Beroud et al., 2003; Frederic et al., 2009).